The following is an entry in ClinVar:

NM_015338.6(ASXL1):c.3319C>T (p.Leu1107Phe)

Gene: ASXL1 (ASXL transcriptional regulator 1; plus strand). Cytogenetic location: 20q11.21.
Variant type: single nucleotide variant.
Coding change: c.3319C>T on transcript NM_015338.6 (MANE Select); coding-DNA position 3319, C replaced by T.
Protein change: p.Leu1107Phe; replaces leucine 1107 with phenylalanine.
Molecular consequence: missense variant.
Genome position (GRCh38, 1-based): chr20:32,436,031, C>T. VCF-style: chr20-32436031-C-T. GRCh37 (hg19) VCF-style: chr20-31023834-C-T.
Other names: c.3136C>T, p.Leu1046Phe (NM_001363734.1); short protein forms L1046F, L1107F.
Identifiers: ClinVar variation 3440089 (VCV003440089.2).
Genomic context (GRCh38, chr20:32,436,031, plus strand): 5'-TACCAGCCAAGAGCCGTGTGCCTGTCCATGCCTGGGTCCTCAGTGGAGGCCACTAACCCA[C>T]TTGTGATGCAGTTGCTGCAGGGTAGCTTGCCCCTAGAGAAGGTTCTTCCACCAGCCCACG-3'
Protein context (NP_056153.2, residues 1097-1117): PGSSVEATNP[Leu1107Phe]VMQLLQGSLP

ClinVar aggregate classification (germline): Uncertain significance (1 of 4 stars; one submission).

Conditions:
Inborn genetic diseases. Identifiers: MedGen C0950123, MeSH D030342.

gnomAD v4.1: 2 of 1,614,218 alleles (0.00012%); highest among the groups gnomAD compares: Non-Finnish European, 0.00017%; no homozygotes.

Submission:

Ambry Genetics
Classification: Uncertain significance for Inborn genetic diseases. Last evaluated: 2025-02-07. Review status: criteria provided, single submitter. Criteria: Ambry Variant Classification Scheme 2023. Collection method: clinical testing. Allele origin: germline.
Comment: The p.L1107F variant (also known as c.3319C>T), located in coding exon 13 of the ASXL1 gene, results from a C to T substitution at nucleotide position 3319. The leucine at codon 1107 is replaced by phenylalanine, an amino acid with highly similar properties. This amino acid position is conserved. In addition, the in silico prediction for this alteration is inconclusive. Based on the available evidence, the clinical significance of this variant remains unclear.